The following is an entry in ClinVar:

ClinVar aggregate classification (germline): Uncertain significance (1 of 4 stars; one submission).

Conditions:
Tyrosinemia type II (TYRSN2). Also called: KERATOSIS PALMOPLANTARIS WITH CORNEAL DYSTROPHY; OREGON TYPE TYROSINEMIA; TAT DEFICIENCY; TYROSINE AMINOTRANSFERASE DEFICIENCY; TYROSINE TRANSAMINASE DEFICIENCY. Identifiers: Orphanet 28378, MedGen C0268487, MONDO:0010160, OMIM 276600.

Allele frequency attached by ClinVar (database versions not stated): TOPMed below 0.00001; gnomAD exomes 0.00001.

Submission:

Labcorp Genetics (formerly Invitae), Labcorp
Classification: Uncertain significance for Tyrosinemia type II. Last evaluated: 2021-12-19. Review status: criteria provided, single submitter. Criteria: Invitae Variant Classification Sherloc (09022015). Collection method: clinical testing. Allele origin: germline.
Comment: This sequence change replaces arginine, which is basic and polar, with cysteine, which is neutral and slightly polar, at codon 315 of the TAT protein (p.Arg315Cys). This variant is present in population databases (no rsID available, gnomAD 0.0009%). This variant has not been reported in the literature in individuals affected with TAT-related conditions. Algorithms developed to predict the effect of missense changes on protein structure and function are either unavailable or do not agree on the potential impact of this missense change (SIFT: "Deleterious"; PolyPhen-2: "Probably Damaging"; Align-GVGD: "Class C0"). In summary, the available evidence is currently insufficient to determine the role of this variant in disease. Therefore, it has been classified as a Variant of Uncertain Significance.

NM_000353.3(TAT):c.943C>T (p.Arg315Cys)

Genes: TAT (tyrosine aminotransferase; minus strand), TAT-AS1 (TAT antisense RNA 1; plus strand). Cytogenetic location: 16q22.2.
Variant type: single nucleotide variant.
Coding change: c.943C>T on transcript NM_000353.3 (MANE Select); coding-DNA position 943, C replaced by T.
Protein change: p.Arg315Cys; replaces arginine 315 with cysteine.
Molecular consequence: missense variant.
Genome position (GRCh38, 1-based): chr16:71,570,367, G>A on the plus strand (C>T on the coding strand, the complement: TAT is on the minus strand). VCF-style: chr16-71570367-G-A. GRCh37 (hg19) VCF-style: chr16-71604270-G-A.
Other names: short protein forms R315C.
Identifiers: ClinVar variation 1914775 (VCV001914775.2), dbSNP rs762641460, ClinGen allele CA283579013.